The following is an entry in ClinVar:

NM_032043.3(BRIP1):c.1736del (p.Arg579fs)

Gene: BRIP1 (BRCA1 interacting DNA helicase 1; minus strand). Cytogenetic location: 17q23.2.
Variant type: Deletion.
Coding change: c.1736del on transcript NM_032043.3 (MANE Select); coding-DNA position 1736, one base deleted (G; older notation c.1736delG).
Protein change: p.Arg579fs; shifts the reading frame from arginine 579.
Molecular consequence: frameshift variant.
Genome position (GRCh38, 1-based): chr17:61,780,898, C deleted on the plus strand (G on the coding strand, the reverse complement: BRIP1 is on the minus strand). VCF-style (leftmost placement, unchanged base first): chr17-61780897-AC-A. GRCh37 (hg19) VCF-style: chr17-59858258-AC-A.
Other names: short protein forms R579fs.
Identifiers: ClinVar variation 2564594 (VCV002564594.4), dbSNP rs2545028426, ClinGen allele CA2580613200.

ClinVar aggregate classification (germline): Pathogenic. Review status: criteria provided, multiple submitters, no conflicts (2 of 4 stars). 3 submissions from 3 submitters: Pathogenic (3). Last evaluated 2026-07-14.

Conditions:
Fanconi anemia complementation group J. Also called: BRIP1-Related Fanconi Anemia. Identifiers: Orphanet 84, MedGen C1836860, MONDO:0012187, OMIM 609054.
Familial cancer of breast. Also called: hereditary breast carcinoma; BREAST CANCER, FAMILIAL; Hereditary breast cancer. Identifiers: Orphanet 227535, MedGen C0346153, MONDO:0016419, OMIM 114480. Disease mechanism: loss of function.
Hereditary cancer-predisposing syndrome. Also called: Hereditary Cancer Syndrome; Hereditary neoplastic syndrome; Neoplastic Syndromes, Hereditary; Tumor predisposition. Identifiers: Orphanet 140162, MedGen C0027672, MeSH D009386, MONDO:0015356.
Familial ovarian cancer. Identifiers: MedGen C5679802, MONDO:0016248.

Submissions (3):

Myriad Genetics, Inc.
Classification: Pathogenic for Familial ovarian cancer. Last evaluated: 2026-07-14. Review status: criteria provided, single submitter. Criteria: Myriad Autosomal Dominant, Autosomal Recessive and X-Linked Classification Criteria (2023). Collection method: clinical testing. Allele origin: unknown.
Comment: This variant is considered pathogenic. This variant creates a frameshift predicted to result in premature protein truncation.

Labcorp Genetics (formerly Invitae), Labcorp
Classification: Pathogenic for Familial cancer of breast; Fanconi anemia complementation group J. Last evaluated: 2025-09-10. Review status: criteria provided, single submitter. Criteria: Invitae Variant Classification Sherloc (09022015). Collection method: clinical testing. Allele origin: germline.
Comment: This sequence change creates a premature translational stop signal (p.Arg579Leufs*11) in the BRIP1 gene. It is expected to result in an absent or disrupted protein product. Loss-of-function variants in BRIP1 are known to be pathogenic (PMID: 16116423, 17033622, 21964575). This variant is not present in population databases (gnomAD no frequency). This variant has not been reported in the literature in individuals affected with BRIP1-related conditions. ClinVar contains an entry for this variant (Variation ID: 2564594). For these reasons, this variant has been classified as Pathogenic.

Ambry Genetics
Classification: Pathogenic for Hereditary cancer-predisposing syndrome. Last evaluated: 2023-05-05. Review status: criteria provided, single submitter. Criteria: Ambry Variant Classification Scheme 2023. Collection method: clinical testing. Allele origin: germline.
Comment: The c.1736delG pathogenic mutation, located in coding exon 11 of the BRIP1 gene, results from a deletion of one nucleotide at nucleotide position 1736, causing a translational frameshift with a predicted alternate stop codon (p.R579Lfs*11). This variant is considered to be rare based on population cohorts in the Genome Aggregation Database (gnomAD). This alteration is expected to result in loss of function by premature protein truncation or nonsense-mediated mRNA decay. As such, this alteration is interpreted as a disease-causing mutation.

Literature cited by the submitters: PubMed 16116423 (cited by Labcorp Genetics (formerly Invitae), Labcorp); PubMed 17033622 (cited by Labcorp Genetics (formerly Invitae), Labcorp); PubMed 21964575 (cited by Labcorp Genetics (formerly Invitae), Labcorp).